The following is an entry in ClinVar:

NM_000088.4(COL1A1):c.3046-20CT[7]

Gene: COL1A1 (collagen type I alpha 1 chain; minus strand). Cytogenetic location: 17q21.33.
Variant type: Microsatellite.
Coding change: c.3046-20CT[7] on transcript NM_000088.4 (MANE Select); seven copies in a row of the 2-base unit CT starting at c.3046-20; the reference has eight copies in a row; one copy, 2 bases deleted.
Molecular consequence: intron variant.
Genome position (GRCh38, 1-based): chr17:50,188,800-50,188,801, AG deleted on the plus strand (CT on the coding strand, the reverse complement: COL1A1 is on the minus strand); deleting any 2 consecutive bases within chr17:50,188,800-50,188,816 gives the same sequence; the position shown is the placement nearest the transcript's 3' end. VCF-style (leftmost placement, unchanged base first): chr17-50188799-CAG-C. GRCh37 (hg19) VCF-style: chr17-48266160-CAG-C.
Other names: p.?; c.3046-6_3046-5del (NM_000088.3).
Identifiers: ClinVar variation 701827 (VCV000701827.28), dbSNP rs138425306, ClinGen allele CA8644592.
Genomic context (GRCh38, chr17:50,188,799, plus strand): 5'-TACCTTGGCGCCAGGAGAACCGTCTCGTCCAGGGGAACCTTCGGCACCAGGAGCCCCCTG[CAG>C]AGAGAGAGAGAGAGAAGTGAGAGTCAGCCGGGGAAGAGGGCTTAGGCAAGGCCACAATGG-3'

ClinVar aggregate classification (germline): Benign. Review status: criteria provided, multiple submitters, no conflicts (2 of 4 stars). 5 submissions from 5 submitters: Benign (3). 2 of the submissions do not count toward it. Last evaluated 2026-01-15.

Conditions:
Osteogenesis imperfecta type I (OI1). Also called: Lobstein's Disease; Classic Non-deforming Osteogenesis Imperfecta with Blue Sclerae; Lobstein disease; OI, TYPE I; OSTEOGENESIS IMPERFECTA TARDA; OSTEOGENESIS IMPERFECTA WITH BLUE SCLERAE. Identifiers: Orphanet 216796, Orphanet 666, MedGen C0023931, MONDO:0008146, OMIM 166200. Disease mechanism: loss of function.

Submissions (5):

Labcorp Genetics (formerly Invitae), Labcorp
Classification: Benign for Osteogenesis imperfecta type I. Last evaluated: 2026-01-15. Review status: criteria provided, single submitter. Criteria: Invitae Variant Classification Sherloc (09022015). Collection method: clinical testing. Allele origin: germline.

ARUP Laboratories, Molecular Genetics and Genomics, ARUP Laboratories
Classification: Benign. Last evaluated: 2025-07-24. Review status: criteria provided, single submitter. Criteria: ARUP Molecular Germline Variant Investigation Process 2024. Collection method: clinical testing. Allele origin: germline.

Mayo Clinic Laboratories, Mayo Clinic
Classification: Benign. Last evaluated: 2023-06-30. Review status: criteria provided, single submitter. Criteria: ACMG Guidelines, 2015. Collection method: clinical testing. Allele origin: germline. Observed: 14 variant alleles.
Comment: BA1

Clinical Genetics, Academic Medical Center
Classification: Benign. Review status: no assertion criteria provided. Collection method: clinical testing. Allele origin: germline. Affected: yes. Study: VKGL Data-share Consensus. Not counted in ClinVar's aggregate classification.

Genome Diagnostics Laboratory, Amsterdam University Medical Center
Classification: Benign. Review status: no assertion criteria provided. Collection method: clinical testing. Allele origin: germline. Affected: yes. Study: VKGL Data-share Consensus. Not counted in ClinVar's aggregate classification.